The following is an entry in ClinVar:

NM_000260.4(MYO7A):c.2766_2779del (p.Lys923fs)

Gene: MYO7A (myosin VIIA; plus strand). Cytogenetic location: 11q13.5.
Variant type: Deletion.
Coding change: c.2766_2779del on transcript NM_000260.4 (MANE Select); coding-DNA positions 2766 to 2779, 14 bases deleted (GAAGGAGCTCCTGG).
Protein change: p.Lys923fs; shifts the reading frame from lysine 923.
Molecular consequence: frameshift variant.
Genome position (GRCh38, 1-based): chr11:77,181,451-77,181,464, GAAGGAGCTCCTGG deleted. VCF-style (leftmost placement, unchanged base first): chr11-77181450-AGAAGGAGCTCCTGG-A. GRCh37 (hg19) VCF-style: chr11-76892496-AGAAGGAGCTCCTGG-A.
Other names: c.2766_2779del (NM_000260.3); c.2766_2779del, p.Lys923fs (NM_001127180.2); c.2733_2746del, p.Lys912fs (NM_001369365.1); short protein forms K912fs, K923fs.
Identifiers: ClinVar variation 2502346 (VCV002502346.7), dbSNP rs782339376, ClinGen allele CA6197930.

ClinVar aggregate classification (germline): Pathogenic. Review status: criteria provided, multiple submitters, no conflicts (2 of 4 stars). 4 submissions from 4 submitters: Pathogenic (4). Last evaluated 2026-04-13.

Conditions:
Usher syndrome type 1 (USH1). Also called: RETINITIS PIGMENTOSA AND CONGENITAL DEAFNESS. Identifiers: Orphanet 231169, Orphanet 886, MedGen C1568247, MONDO:0010168, OMIM 276900.
MYO7A-related disorder. Also called: MYO7A-related disorders.

Allele frequency attached by ClinVar (database versions not stated): TOPMed 0.00001; gnomAD exomes 0.00004; gnomAD 0.00011; ExAC 0.00015.

Submissions (4):

GeneDx
Classification: Pathogenic. Last evaluated: 2026-04-13. Review status: criteria provided, single submitter. Criteria: GeneDx Variant Classification Process June 2021. Collection method: clinical testing. Allele origin: germline.
Comment: Frameshift variant predicted to result in protein truncation or nonsense mediated decay in a gene for which loss of function is a known mechanism of disease; This variant is associated with the following publications: (PMID: 40571344, 31980526, 31429209, 31964843, 17093394, 39422539)

Blueprint Genetics
Classification: Pathogenic for MYO7A-related disorders. Last evaluated: 2024-03-22. Review status: criteria provided, single submitter. Criteria: ACMG Guidelines, 2015. Collection method: clinical testing. Allele origin: germline. Affected: yes. Observed: 5 variant alleles.

Labcorp Genetics (formerly Invitae), Labcorp
Classification: Pathogenic. Last evaluated: 2023-06-13. Review status: criteria provided, single submitter. Criteria: Invitae Variant Classification Sherloc (09022015). Collection method: clinical testing. Allele origin: germline.
Comment: This variant is present in population databases (rs782339376, gnomAD 0.1%). This sequence change creates a premature translational stop signal (p.Lys923Alafs*8) in the MYO7A gene. It is expected to result in an absent or disrupted protein product. Loss-of-function variants in MYO7A are known to be pathogenic (PMID: 8900236, 25404053). This premature translational stop signal has been observed in individual(s) with autosomal recessive MYO7A-related conditions (PMID: 17093394, 31429209). For these reasons, this variant has been classified as Pathogenic. ClinVar contains an entry for this variant (Variation ID: 2502346).

Institute of Human Genetics, University of Leipzig Medical Center
Classification: Pathogenic for Usher syndrome type 1. Last evaluated: 2023-04-19. Review status: criteria provided, single submitter. Criteria: ACMG Guidelines, 2015. Collection method: clinical testing. Allele origin: unknown. Affected: yes.
Comment: This variant was identified as compound heterozygous with NM_000260.4:c.2766_2779del. Criteria applied: PVS1, PM3_STR, PP4

Literature cited by the submitters: PubMed 8900236 (cited by Labcorp Genetics (formerly Invitae), Labcorp); PubMed 25404053 (cited by Labcorp Genetics (formerly Invitae), Labcorp); PubMed 17093394 (cited by Labcorp Genetics (formerly Invitae), Labcorp); PubMed 31429209 (cited by Labcorp Genetics (formerly Invitae), Labcorp).